The following is an entry in ClinVar:

ClinVar aggregate classification (germline): Uncertain significance (1 of 4 stars; one submission).

Conditions:
Telangiectasia, hereditary hemorrhagic, type 2 (HHT2). Also called: ACVRL1-Related Hereditary Hemorrhagic Telangiectasia; Telangiectasia, hereditary hemorrhagic, type II. Identifiers: Orphanet 774, MedGen C1838163, MONDO:0010880, OMIM 600376. Disease mechanism: loss of function.

Submission:

Labcorp Genetics (formerly Invitae), Labcorp
Classification: Uncertain significance for Telangiectasia, hereditary hemorrhagic, type 2. Last evaluated: 2016-11-14. Review status: criteria provided, single submitter. Criteria: Invitae Variant Classification Sherloc (09022015). Collection method: clinical testing. Allele origin: germline.
Comment: This sequence change replaces arginine with proline at codon 218 of the ACVRL1 protein (p.Arg218Pro). The arginine residue is highly conserved and there is a moderate physicochemical difference between arginine and proline. Algorithms developed to predict the effect of missense changes on protein structure and function (SIFT, PolyPhen-2, Align-GVGD) all suggest that this variant is likely to be disruptive, but these predictions have not been confirmed by published functional studies. This variant is not present in population databases (ExAC no frequency) and has not been reported in the literature in individuals with a ACVRL1-related disease. In summary, this variant is a novel missense change with uncertain impact on protein function. It has been classified as a Variant of Uncertain Significance. A different variant (c.653_654delinsCC) giving rise to the same protein effect observed here (p.Arg218Pro) has been reported in two related individuals affected with hereditary haemorrhagic telangiectasia (PMID: 23919827), indicating that this residue may be critical for protein function.

Literature cited by the submitters: PubMed 23919827.

NM_000020.3(ACVRL1):c.653G>C (p.Arg218Pro)

Gene: ACVRL1 (activin A receptor like type 1; plus strand). Cytogenetic location: 12q13.13.
Variant type: single nucleotide variant.
Coding change: c.653G>C on transcript NM_000020.3 (MANE Select); coding-DNA position 653, G replaced by C.
Protein change: p.Arg218Pro; replaces arginine 218 with proline.
Molecular consequence: missense variant.
Genome position (GRCh38, 1-based): chr12:51,914,466, G>C. VCF-style: chr12-51914466-G-C. GRCh37 (hg19) VCF-style: chr12-52308250-G-C.
Other names: c.653G>C, p.Arg218Pro (NM_001077401.2); short protein forms R218P.
Identifiers: ClinVar variation 411298 (VCV000411298.8), dbSNP rs779287554, ClinGen allele CA16614158.
Genomic context (GRCh38, chr12:51,914,466, plus strand): 5'-TGTGTAACCCTCACCTTCCCCTCTGGCCATCAGGAAAAGGCCGCTATGGCGAAGTGTGGC[G>C]GGGCTTGTGGCACGGTGAGAGTGTGGCCGTCAAGATCTTCTCCTCGAGGGATGAACAGTC-3'
Protein context (NP_000011.2, residues 208-228): VGKGRYGEVW[Arg218Pro]GLWHGESVAV